The following is an entry in ClinVar:

NM_001130823.3(DNMT1):c.2020G>A (p.Val674Met)

Gene: DNMT1 (DNA methyltransferase 1; minus strand). Cytogenetic location: 19p13.2.
Variant type: single nucleotide variant.
Coding change: c.2020G>A on transcript NM_001130823.3 (MANE Select); coding-DNA position 2020, G replaced by A.
Protein change: p.Val674Met; replaces valine 674 with methionine.
Molecular consequence: missense variant.
Genome position (GRCh38, 1-based): chr19:10,151,847, C>T on the plus strand (G>A on the coding strand, the complement: DNMT1 is on the minus strand). VCF-style: chr19-10151847-C-T. GRCh37 (hg19) VCF-style: chr19-10262523-C-T.
Other names: c.1972G>A, p.Val658Met (NM_001318730.2, NM_001379.4); c.1657G>A, p.Val553Met (NM_001318731.2); short protein forms V553M, V658M, V674M.
Identifiers: ClinVar variation 1374558 (VCV001374558.6), dbSNP rs2038349015, ClinGen allele CA403932227.

ClinVar aggregate classification (germline): Uncertain significance (1 of 4 stars; one submission).

Conditions:
Hereditary sensory neuropathy-deafness-dementia syndrome. Also called: Hereditary sensory neuropathy type IE; HSN IE; NEUROPATHY, HEREDITARY SENSORY, WITH HEARING LOSS AND DEMENTIA; Hereditary Sensory and Autonomic Neuropathy Type 1E (HSAN1E). Identifiers: Orphanet 456318, MedGen C3279885, MONDO:0013584, OMIM 614116.

Allele frequency attached by ClinVar (database versions not stated): gnomAD exomes 0.00001.
gnomAD v4.1: 6 of 1,613,976 alleles (0.00037%); highest among the groups gnomAD compares: Non-Finnish European, 0.00051%; no homozygotes.

Submission:

Labcorp Genetics (formerly Invitae), Labcorp
Classification: Uncertain significance for Hereditary sensory neuropathy-deafness-dementia syndrome. Last evaluated: 2021-08-12. Review status: criteria provided, single submitter. Criteria: Invitae Variant Classification Sherloc (09022015). Collection method: clinical testing. Allele origin: germline.
Comment: Algorithms developed to predict the effect of missense changes on protein structure and function are either unavailable or do not agree on the potential impact of this missense change (SIFT: "Deleterious"; PolyPhen-2: "Benign"; Align-GVGD: "Class C0"). In summary, the available evidence is currently insufficient to determine the role of this variant in disease. Therefore, it has been classified as a Variant of Uncertain Significance. This variant has not been reported in the literature in individuals affected with DNMT1-related conditions. This variant is not present in population databases (ExAC no frequency). This sequence change replaces valine with methionine at codon 674 of the DNMT1 protein (p.Val674Met). The valine residue is highly conserved and there is a small physicochemical difference between valine and methionine.